The following is an entry in ClinVar:

NM_001851.6(COL9A1):c.802A>T (p.Arg268Ter)

Gene: COL9A1 (collagen type IX alpha 1 chain; minus strand). Cytogenetic location: 6q13.
Variant type: single nucleotide variant.
Coding change: c.802A>T on transcript NM_001851.6 (MANE Select); coding-DNA position 802, A replaced by T.
Protein change: p.Arg268Ter; replaces arginine 268 with a stop codon.
Molecular consequence: nonsense. On other transcripts: non-coding transcript variant (1).
Genome position (GRCh38, 1-based): chr6:70,281,464, T>A on the plus strand (A>T on the coding strand, the complement: COL9A1 is on the minus strand). VCF-style: chr6-70281464-T-A. GRCh37 (hg19) VCF-style: chr6-70991167-T-A.
Other names: c.73A>T, p.Arg25Ter (NM_001377289.1, NM_001377290.1, NM_078485.4); c.802A>T, p.Arg268Ter (NM_001377291.1); short protein forms R25*, R268*.
Identifiers: ClinVar variation 2824331 (VCV002824331.3), dbSNP rs2483459984, ClinGen allele CA364666043.

ClinVar aggregate classification (germline): Pathogenic (1 of 4 stars; one submission).

Submission:

Labcorp Genetics (formerly Invitae), Labcorp
Classification: Pathogenic. Last evaluated: 2024-01-12. Review status: criteria provided, single submitter. Criteria: Invitae Variant Classification Sherloc (09022015). Collection method: clinical testing. Allele origin: germline.
Comment: This sequence change creates a premature translational stop signal (p.Arg268*) in the COL9A1 gene. It is expected to result in an absent or disrupted protein product. Loss-of-function variants in COL9A1 are known to be pathogenic (PMID: 16909383, 21421862). This variant is not present in population databases (gnomAD no frequency). This variant has not been reported in the literature in individuals affected with COL9A1-related conditions. For these reasons, this variant has been classified as Pathogenic.

Literature cited by the submitters: PubMed 16909383; PubMed 21421862.